The following is an entry in ClinVar:

ClinVar aggregate classification (germline): Uncertain significance (1 of 4 stars; one submission).

gnomAD v4.1: 3 of 1,611,930 alleles (0.00019%); highest among the groups gnomAD compares: East Asian, 0.0022%; no homozygotes.

Submission:

Ambry Genetics
Classification: Uncertain significance. Last evaluated: 2025-01-30. Review status: criteria provided, single submitter. Criteria: Ambry Variant Classification Scheme 2023. Collection method: clinical testing. Allele origin: germline.
Comment: The p.L1073P variant (also known as c.3218T>C), located in coding exon 12 of the WNK2 gene, results from a T to C substitution at nucleotide position 3218. The leucine at codon 1073 is replaced by proline, an amino acid with similar properties. This amino acid position is conserved. In addition, the in silico prediction for this alteration is inconclusive. Based on the available evidence, the clinical significance of this variant remains unclear.

NM_006648.4(WNK2):c.3218T>C (p.Leu1073Pro)

Gene: WNK2 (WNK lysine deficient protein kinase 2; plus strand). Cytogenetic location: 9q22.31.
Variant type: single nucleotide variant.
Coding change: c.3218T>C on transcript NM_006648.4 (MANE Select); coding-DNA position 3218, T replaced by C.
Protein change: p.Leu1073Pro; replaces leucine 1073 with proline.
Molecular consequence: missense variant.
Genome position (GRCh38, 1-based): chr9:93,261,965, T>C. VCF-style: chr9-93261965-T-C. GRCh37 (hg19) VCF-style: chr9-96024247-T-C.
Other names: c.3218T>C, p.Leu1073Pro (NM_001282394.3); short protein forms L1073P.
Identifiers: ClinVar variation 3816943 (VCV003816943.1).